The following is an entry in ClinVar:

NM_000081.4(LYST):c.2273A>G (p.Gln758Arg)

Gene: LYST (lysosomal trafficking regulator; minus strand). Cytogenetic location: 1q42.3.
Variant type: single nucleotide variant.
Coding change: c.2273A>G on transcript NM_000081.4 (MANE Select); coding-DNA position 2273, A replaced by G.
Protein change: p.Gln758Arg; replaces glutamine 758 with arginine.
Molecular consequence: missense variant.
Genome position (GRCh38, 1-based): chr1:235,808,545, T>C on the plus strand (A>G on the coding strand, the complement: LYST is on the minus strand). VCF-style: chr1-235808545-T-C. GRCh37 (hg19) VCF-style: chr1-235971845-T-C.
Other names: c.2273A>G, p.Gln758Arg (NM_001301365.1); short protein forms Q758R.
Identifiers: ClinVar variation 4810396 (VCV004810396.1).
Genomic context (GRCh38, chr1:235,808,545, plus strand): 5'-ACATAAATCTGAAGCACGTCCTGAGGCAAGCACTGGTTATGATGGCTACATACATGACTT[T>C]GAGCTGAAGTAACGCTTAGGTGTTGACAATGATGTGCTAATTCAACTCCTCTTTGGAGCA-3'
Protein context (NP_000072.2, residues 748-768): HCQHLSVTSA[Gln758Arg]SHVCSHHNQC

ClinVar aggregate classification (germline): Uncertain significance (1 of 4 stars; one submission).

Conditions:
Chédiak-Higashi syndrome (CHS). Also called: Chediak-Higashi Syndrome. Identifiers: Orphanet 167, MedGen C0007965, MONDO:0008963, OMIM 214500.

gnomAD v4.1: 41 of 1,613,780 alleles (0.0025%); highest among the groups gnomAD compares: Non-Finnish European, 0.00025%; 1 homozygote.

Submission:

Labcorp Genetics (formerly Invitae), Labcorp
Classification: Uncertain significance for Chédiak-Higashi syndrome. Last evaluated: 2025-03-26. Review status: criteria provided, single submitter. Criteria: Invitae Variant Classification Sherloc (09022015). Collection method: clinical testing. Allele origin: germline.
Comment: This sequence change replaces glutamine, which is neutral and polar, with arginine, which is basic and polar, at codon 758 of the LYST protein (p.Gln758Arg). This variant is present in population databases (rs758182299, gnomAD 0.07%). This variant has not been reported in the literature in individuals affected with LYST-related conditions. Invitae Evidence Modeling of protein sequence and biophysical properties (such as structural, functional, and spatial information, amino acid conservation, physicochemical variation, residue mobility, and thermodynamic stability) indicates that this missense variant is not expected to disrupt LYST protein function with a negative predictive value of 80%. In summary, the available evidence is currently insufficient to determine the role of this variant in disease. Therefore, it has been classified as a Variant of Uncertain Significance.